The following is an entry in ClinVar:

ClinVar aggregate classification (germline): Uncertain significance (1 of 4 stars; one submission).

Conditions:
Intellectual developmental disorder, autosomal dominant 1. Also called: MBD5 Haploinsufficiency; Intellectual disability, autosomal dominant 1. Identifiers: Orphanet 228402, MedGen C1969562, MONDO:0007974, OMIM 156200.

Allele frequency attached by ClinVar (database versions not stated): TOPMed below 0.00001; gnomAD 0.00001.
gnomAD v4.1: 1 of 1,613,972 alleles (0.000062%); highest among the groups gnomAD compares: Non-Finnish European, 0.000085%; no homozygotes.

Submission:

Labcorp Genetics (formerly Invitae), Labcorp
Classification: Uncertain significance for Intellectual developmental disorder, autosomal dominant 1. Last evaluated: 2023-10-17. Review status: criteria provided, single submitter. Criteria: Invitae Variant Classification Sherloc (09022015). Collection method: clinical testing. Allele origin: germline.
Comment: This sequence change replaces asparagine, which is neutral and polar, with aspartic acid, which is acidic and polar, at codon 1267 of the MBD5 protein (p.Asn1267Asp). This variant is not present in population databases (gnomAD no frequency). This variant has not been reported in the literature in individuals affected with MBD5-related conditions. Experimental studies and prediction algorithms are not available or were not evaluated, and the functional significance of this variant is currently unknown. In summary, the available evidence is currently insufficient to determine the role of this variant in disease. Therefore, it has been classified as a Variant of Uncertain Significance.

NM_001378120.1(MBD5):c.4498A>G (p.Asn1500Asp)

Gene: MBD5 (methyl-CpG binding domain protein 5; plus strand). Cytogenetic location: 2q23.1.
Variant type: single nucleotide variant.
Coding change: c.4498A>G on transcript NM_001378120.1 (MANE Select); coding-DNA position 4498, A replaced by G.
Protein change: p.Asn1500Asp; replaces asparagine 1500 with aspartic acid.
Molecular consequence: missense variant.
Genome position (GRCh38, 1-based): chr2:148,490,130, A>G. VCF-style: chr2-148490130-A-G. GRCh37 (hg19) VCF-style: chr2-149247699-A-G.
Other names: c.3799A>G, p.Asn1267Asp (NM_018328.5); short protein forms N1267D, N1500D.
Identifiers: ClinVar variation 2769691 (VCV002769691.3), dbSNP rs1348732689, ClinGen allele CA348729391.
Genomic context (GRCh38, chr2:148,490,130, plus strand): 5'-ATACTGTTACCACCAAGAAACTGTCCAGGGGATAAAATTCTAGAGGAAAATTTCAGGTAT[A>G]ATAACTACAAAAGAACTATGATGAGTTTTAAGGAGAGACTAGAGAACACTGTGGAAAGAT-3'
Protein context (NP_001365049.1, residues 1490-1510): DKILEENFRY[Asn1500Asp]NYKRTMMSFK